The following is an entry in ClinVar:

ClinVar aggregate classification (germline): Uncertain significance. Review status: criteria provided, multiple submitters, no conflicts (2 of 4 stars). 2 submissions from 2 submitters: Uncertain significance (2). Last evaluated 2025-07-17.

Conditions:
Colorectal cancer, hereditary nonpolyposis, type 7. Identifiers: Orphanet 144, MedGen C1858380, MONDO:0013725, OMIM 614385.
Colorectal cancer. Also called: Colorectal cancer, somatic; Malignant Colorectal Neoplasm. Identifiers: MedGen C0346629, MONDO:0005575, OMIM 114500.
Endometrial carcinoma. Also called: Endometrial carcinoma, somatic. Identifiers: MedGen C0476089, MONDO:0002447, OMIM 608089, HP:0012114.

Submissions (2):

Ambry Genetics
Classification: Uncertain significance. Last evaluated: 2025-07-17. Review status: criteria provided, single submitter. Criteria: Ambry Variant Classification Scheme 2023. Collection method: clinical testing. Allele origin: germline.
Comment: The p.G634A variant (also known as c.1901G>C), located in coding exon 1 of the MLH3 gene, results from a G to C substitution at nucleotide position 1901. The glycine at codon 634 is replaced by alanine, an amino acid with similar properties. This amino acid position is conserved. In addition, this alteration is predicted to be tolerated by in silico analysis. Based on the available evidence, the clinical significance of this variant remains unclear.

Department of Pathology and Laboratory Medicine, Sinai Health System
Classification: Uncertain significance for Colorectal cancer; Endometrial carcinoma; Colorectal cancer, hereditary nonpolyposis, type 7. Last evaluated: 2023-10-11. Review status: criteria provided, single submitter. Criteria: ACMG Guidelines, 2015. Collection method: clinical testing. Allele origin: germline. Affected: no.

NM_001040108.2(MLH3):c.1901G>C (p.Gly634Ala)

Gene: MLH3 (mutL homolog 3; minus strand). Cytogenetic location: 14q24.3.
Variant type: single nucleotide variant.
Coding change: c.1901G>C on transcript NM_001040108.2 (MANE Select); coding-DNA position 1901, G replaced by C.
Protein change: p.Gly634Ala; replaces glycine 634 with alanine.
Molecular consequence: missense variant.
Genome position (GRCh38, 1-based): chr14:75,047,755, C>G on the plus strand (G>C on the coding strand, the complement: MLH3 is on the minus strand). VCF-style: chr14-75047755-C-G. GRCh37 (hg19) VCF-style: chr14-75514458-C-G.
Other names: c.1901G>C, p.Gly634Ala (NM_014381.3); short protein forms G634A.
Identifiers: ClinVar variation 3891684 (VCV003891684.2).